The following is an entry in ClinVar:

NM_032638.5(GATA2):c.654G>A (p.Thr218=)

Gene: GATA2 (GATA binding protein 2; minus strand). Cytogenetic location: 3q21.3.
Variant type: single nucleotide variant.
Coding change: c.654G>A on transcript NM_032638.5 (MANE Select); coding-DNA position 654, G replaced by A.
Protein change: p.Thr218=; no amino-acid change (threonine 218 retained).
Molecular consequence: synonymous variant.
Genome position (GRCh38, 1-based): chr3:128,485,944, C>T on the plus strand (G>A on the coding strand, the complement: GATA2 is on the minus strand). VCF-style: chr3-128485944-C-T. GRCh37 (hg19) VCF-style: chr3-128204787-C-T.
Other names: c.654G>A, p.Thr218= (NM_001145661.2, NM_001145662.1).
Identifiers: ClinVar variation 583285 (VCV000583285.13), dbSNP rs34632959, ClinGen allele CA2599982.

ClinVar aggregate classification (germline): Conflicting classifications of pathogenicity. Review status: criteria provided, conflicting classifications (1 of 4 stars). 3 submissions from 3 submitters: Uncertain significance (1); Likely benign (2). Last evaluated 2025-09-13.

Conditions:
Inborn genetic diseases. Identifiers: MedGen C0950123, MeSH D030342.
Deafness-lymphedema-leukemia syndrome. Also called: Emberger syndrome; Lymphedema, primary, with myelodysplasia. Identifiers: Orphanet 3226, MedGen C3279664, MONDO:0013540, OMIM 614038.
Monocytopenia with susceptibility to infections. Also called: GATA2 DEFICIENCY; MONOCYTOPENIA WITH SUSCEPTIBILITY TO MYCOBACTERIAL, FUNGAL, AND PAPILLOMAVIRUS INFECTIONS AND MYELODYSPLASIA; COMBINED IMMUNODEFICIENCY WITH SUSCEPTIBILITY TO MYCOBACTERIAL, VIRAL, AND FUNGAL INFECTIONS; MONOCYTOPENIA AND MYCOBACTERIAL INFECTION SYNDROME; Dendritic cell, monocyte, B lymphocyte, and natural killer lymphocyte deficiency; IMMUNODEFICIENCY 21. Identifiers: Orphanet 228423, MedGen C3280030, MONDO:0013607, OMIM 614172.
Hereditary cancer-predisposing syndrome. Also called: Neoplastic Syndromes, Hereditary; Hereditary Cancer Syndrome; Tumor predisposition; Hereditary neoplastic syndrome. Identifiers: Orphanet 140162, MedGen C0027672, MeSH D009386, MONDO:0015356.

Allele frequency attached by ClinVar (database versions not stated): ExAC 0.00001; gnomAD exomes 0.00001; TOPMed 0.00002; gnomAD 0.00003.

Submissions (3):

Labcorp Genetics (formerly Invitae), Labcorp
Classification: Likely benign for Monocytopenia with susceptibility to infections; Deafness-lymphedema-leukemia syndrome. Last evaluated: 2025-09-13. Review status: criteria provided, single submitter. Criteria: Invitae Variant Classification Sherloc (09022015). Collection method: clinical testing. Allele origin: germline.

Ambry Genetics
Classification: Likely benign for Inborn genetic diseases. Last evaluated: 2024-12-02. Review status: criteria provided, single submitter. Criteria: Ambry Variant Classification Scheme 2023. Collection method: clinical testing. Allele origin: germline.

Sema4
Classification: Uncertain significance for Hereditary cancer-predisposing syndrome. Last evaluated: 2021-04-04. Review status: criteria provided, single submitter. Criteria: Sema4 Curation Guidelines. Collection method: curation. Allele origin: germline.
Comment: The GATA2 c.654G>A (p.T218=) variant has not been reported in the literature to our knowledge. It was observed in 3/251152 chromosomes in the Genome Aggregation Database (PMID: 32461654). The variant has been reported in ClinVar (Variation ID: 583285). In silico tools suggest the impact of the variant on RNA splicing is deleterious, though these predictions have not been confirmed by functional studies. The evidence is insufficient to meet ACMG/AMP criteria for classifying the variant as benign or pathogenic. Thus, the clinical significance of this variant is currently uncertain.